The following is an entry in ClinVar:

ClinVar aggregate classification (germline): Uncertain significance (1 of 4 stars; one submission).

Submission:

Labcorp Genetics (formerly Invitae), Labcorp
Classification: Uncertain significance. Last evaluated: 2024-12-09. Review status: criteria provided, single submitter. Criteria: Invitae Variant Classification Sherloc (09022015). Collection method: clinical testing. Allele origin: germline.
Comment: This sequence change replaces methionine, which is neutral and non-polar, with threonine, which is neutral and polar, at codon 1113 of the FOCAD protein (p.Met1113Thr). This variant is not present in population databases (gnomAD no frequency). This variant has not been reported in the literature in individuals affected with FOCAD-related conditions. Experimental studies and prediction algorithms are not available or were not evaluated, and the functional significance of this variant is currently unknown. In summary, the available evidence is currently insufficient to determine the role of this variant in disease. Therefore, it has been classified as a Variant of Uncertain Significance.

NM_001375567.1(FOCAD):c.3338T>C (p.Met1113Thr)

Gene: FOCAD (focadhesin; plus strand). Cytogenetic location: 9p21.3.
Variant type: single nucleotide variant.
Coding change: c.3338T>C on transcript NM_001375567.1 (MANE Select); coding-DNA position 3338, T replaced by C.
Protein change: p.Met1113Thr; replaces methionine 1113 with threonine.
Molecular consequence: missense variant.
Genome position (GRCh38, 1-based): chr9:20,933,034, T>C. VCF-style: chr9-20933034-T-C. GRCh37 (hg19) VCF-style: chr9-20933033-T-C.
Other names: c.3233T>C, p.Met1078Thr (NM_001375568.1, NM_001375570.1); c.3338T>C, p.Met1113Thr (NM_017794.5); short protein forms M1078T, M1113T.
Identifiers: ClinVar variation 3615598 (VCV003615598.2).